The following is an entry in ClinVar:

ClinVar aggregate classification (germline): Uncertain significance (1 of 4 stars; one submission).

Conditions:
Inborn genetic diseases. Identifiers: MedGen C0950123, MeSH D030342.

Allele frequency attached by ClinVar (database versions not stated): gnomAD exomes below 0.00001; TOPMed below 0.00001.
gnomAD v4.1: 5 of 1,613,490 alleles (0.00031%); highest among the groups gnomAD compares: South Asian, 0.0033%; no homozygotes.

Submission:

Ambry Genetics
Classification: Uncertain significance for Inborn genetic diseases. Last evaluated: 2022-04-12. Review status: criteria provided, single submitter. Criteria: Ambry Variant Classification Scheme 2023. Collection method: clinical testing. Allele origin: germline.
Comment: The p.R4159C variant (also known as c.12475C>T), located in coding exon 68 of the DST gene, results from a C to T substitution at nucleotide position 12475. The arginine at codon 4159 is replaced by cysteine, an amino acid with highly dissimilar properties. This amino acid position is highly conserved in available vertebrate species. In addition, this alteration is predicted to be deleterious by in silico analysis. Since supporting evidence is limited at this time, the clinical significance of this alteration remains unclear.

NM_001374736.1(DST):c.18832C>T (p.Arg6278Cys)

Gene: DST (dystonin; minus strand). Cytogenetic location: 6p12.1.
Variant type: single nucleotide variant.
Coding change: c.18832C>T on transcript NM_001374736.1 (MANE Select); coding-DNA position 18832, C replaced by T.
Protein change: p.Arg6278Cys; replaces arginine 6278 with cysteine.
Molecular consequence: missense variant.
Genome position (GRCh38, 1-based): chr6:56,509,822, G>A on the plus strand (C>T on the coding strand, the complement: DST is on the minus strand). VCF-style: chr6-56509822-G-A. GRCh37 (hg19) VCF-style: chr6-56374620-G-A.
Other names: c.12475C>T, p.Arg4159Cys (NM_001144769.5); c.12061C>T, p.Arg4021Cys (NM_001144770.2); c.18832C>T, p.Arg6278Cys (NM_001374722.1); c.17872C>T, p.Arg5958Cys (NM_001374729.1); c.11614C>T, p.Arg3872Cys (NM_001374730.1); c.18859C>T, p.Arg6287Cys (NM_001374734.1); c.11941C>T, p.Arg3981Cys (NM_001386100.1, NM_183380.4); c.10963C>T, p.Arg3655Cys (NM_015548.5); short protein forms R3981C, R4159C, R5958C, R6287C, R3872C, R6278C, R3655C, R4021C.
Identifiers: ClinVar variation 1759731 (VCV001759731.2), dbSNP rs1348477527, ClinGen allele CA364524304.